The following is an entry in ClinVar:

NM_000152.5(GAA):c.649C>T (p.Pro217Ser)

Gene: GAA (alpha glucosidase; plus strand). Cytogenetic location: 17q25.3.
Variant type: single nucleotide variant.
Coding change: c.649C>T on transcript NM_000152.5 (MANE Select); coding-DNA position 649, C replaced by T.
Protein change: p.Pro217Ser; replaces proline 217 with serine.
Molecular consequence: missense variant.
Genome position (GRCh38, 1-based): chr17:80,105,851, C>T. VCF-style: chr17-80105851-C-T. GRCh37 (hg19) VCF-style: chr17-78079650-C-T.
Other names: c.649C>T (LRG_673t1); c.649C>T, p.Pro217Ser (NM_001079803.3, NM_001079804.3); short protein forms P217S.
Identifiers: ClinVar variation 567524 (VCV000567524.9), dbSNP rs1567827215, ClinGen allele CA401362432.
Genomic context (GRCh38, chr17:80,105,851, plus strand): 5'-ACCCCGCATGTCCACAGCCGGGCACCGTCCCCACTCTACAGCGTGGAGTTCTCCGAGGAG[C>T]CCTTCGGGGTGATCGTGCGCCGGCAGCTGGACGGCCGCGTGCTGTGAGTTCTGGGCTCTG-3'
Protein context (NP_000143.2, residues 207-227): PLYSVEFSEE[Pro217Ser]FGVIVRRQLD

ClinVar aggregate classification (germline): Uncertain significance (1 of 4 stars; one submission).

Conditions:
Glycogen storage disease, type II (IOPD). Also called: CARDIOMEGALIA GLYCOGENICA DIFFUSA; GLYCOGENOSIS, GENERALIZED, CARDIAC FORM; GSD II; Glycogen storage disease type 2; Acid maltase deficiency disease; Aglucosidase alfa. Identifiers: Orphanet 365, MedGen C0017921, MONDO:0009290, OMIM 232300.

Submission:

Labcorp Genetics (formerly Invitae), Labcorp
Classification: Uncertain significance for Glycogen storage disease, type II. Last evaluated: 2018-04-25. Review status: criteria provided, single submitter. Criteria: Invitae Variant Classification Sherloc (09022015). Collection method: clinical testing. Allele origin: germline.
Comment: This variant is not present in population databases (ExAC no frequency). In summary, the available evidence is currently insufficient to determine the role of this variant in disease. Therefore, it has been classified as a Variant of Uncertain Significance. Algorithms developed to predict the effect of missense changes on protein structure and function (SIFT, PolyPhen-2, Align-GVGD) all suggest that this variant is likely to be tolerated, but these predictions have not been confirmed by published functional studies and their clinical significance is uncertain. This variant has not been reported in the literature in individuals with GAA-related disease. This sequence change replaces proline with serine at codon 217 of the GAA protein (p.Pro217Ser). The proline residue is highly conserved and there is a moderate physicochemical difference between proline and serine.